The following is an entry in ClinVar:

NM_001166108.2(PALLD):c.2803G>A (p.Gly935Arg)

Genes: CBR4 (carbonyl reductase 4; minus strand), PALLD (palladin, cytoskeletal associated protein; plus strand). Cytogenetic location: 4q32.3.
Variant type: single nucleotide variant.
Coding change: c.2803G>A on transcript NM_001166108.2 (MANE Select); coding-DNA position 2803, G replaced by A.
Protein change: p.Gly935Arg; replaces glycine 935 with arginine.
Molecular consequence: missense variant.
Genome position (GRCh38, 1-based): chr4:168,915,980, G>A. VCF-style: chr4-168915980-G-A. GRCh37 (hg19) VCF-style: chr4-169837131-G-A.
Other names: c.1606G>A, p.Gly536Arg (NM_001166109.2); c.1291G>A, p.Gly431Arg (NM_001166110.2); c.631G>A, p.Gly211Arg (NM_001367567.1, NM_001367569.1); c.682G>A, p.Gly228Arg (NM_001367568.1, NM_001367570.1); c.2752G>A, p.Gly918Arg (NM_016081.4); short protein forms G211R, G918R, G935R, G431R, G536R, G228R.
Identifiers: ClinVar variation 1375506 (VCV001375506.8), dbSNP rs2151424394, ClinGen allele CA358706822.

ClinVar aggregate classification (germline): Uncertain significance (1 of 4 stars; one submission).

Conditions:
Pancreatic adenocarcinoma. Identifiers: MedGen C0281361, MONDO:0006047, HP:0006725.

Submission:

Labcorp Genetics (formerly Invitae), Labcorp
Classification: Uncertain significance for Pancreatic adenocarcinoma. Last evaluated: 2021-07-01. Review status: criteria provided, single submitter. Criteria: Invitae Variant Classification Sherloc (09022015). Collection method: clinical testing. Allele origin: germline.
Comment: This variant has not been reported in the literature in individuals affected with PALLD-related conditions. In summary, the available evidence is currently insufficient to determine the role of this variant in disease. Therefore, it has been classified as a Variant of Uncertain Significance. Algorithms developed to predict the effect of missense changes on protein structure and function (SIFT, PolyPhen-2, Align-GVGD) all suggest that this variant is likely to be disruptive. This sequence change replaces glycine with arginine at codon 431 of the PALLD protein (p.Gly431Arg). The glycine residue is highly conserved and there is a moderate physicochemical difference between glycine and arginine. This variant is not present in population databases (ExAC no frequency).